The following is an entry in ClinVar:

NM_194454.3(KRIT1):c.1791G>A (p.Trp597Ter)

Gene: KRIT1 (KRIT1 ankyrin repeat containing; minus strand). Cytogenetic location: 7q21.2.
Variant type: single nucleotide variant.
Coding change: c.1791G>A on transcript NM_194454.3 (MANE Select); coding-DNA position 1791, G replaced by A.
Protein change: p.Trp597Ter; replaces tryptophan 597 with a stop codon.
Molecular consequence: nonsense.
Genome position (GRCh38, 1-based): chr7:92,213,919, C>T on the plus strand (G>A on the coding strand, the complement: KRIT1 is on the minus strand). VCF-style: chr7-92213919-C-T. GRCh37 (hg19) VCF-style: chr7-91843233-C-T.
Other names: c.1647G>A, p.Trp549Ter (NM_001013406.2, NM_001350669.1, NM_001350670.1); c.1077G>A, p.Trp359Ter (NM_001350671.1); c.1791G>A, p.Trp597Ter (NM_001350672.1, NM_001350673.1, NM_001350674.1 and 26 more transcripts); short protein forms W549*, W359*, W597*.
Identifiers: ClinVar variation 1452671 (VCV001452671.7), dbSNP rs2131316175, ClinGen allele CA368141070.

ClinVar aggregate classification (germline): Pathogenic. Review status: criteria provided, multiple submitters, no conflicts (2 of 4 stars). 2 submissions from 2 submitters: Pathogenic (2). Last evaluated 2026-02-23.

Conditions:
Cerebral cavernous malformation (CCM). Also called: Cavernous Hemangioma of Brain; Cerebral cavernous malformations; CAVERNOUS ANGIOMA, FAMILIAL; CAVERNOUS ANGIOMATOUS MALFORMATIONS; CEREBRAL CAPILLARY MALFORMATIONS; Cerebral cavernous hemangioma (type). Identifiers: Orphanet 221061, MedGen C2919945, MONDO:0000820, OMIM 116860, HP:0033522.

Submissions (2):

GeneDx
Classification: Pathogenic. Last evaluated: 2026-02-23. Review status: criteria provided, single submitter. Criteria: GeneDx Variant Classification Process June 2021. Collection method: clinical testing. Allele origin: germline.
Comment: Nonsense variant predicted to result in protein truncation or nonsense mediated decay in a gene for which loss of function is a known mechanism of disease; Not observed at significant frequency in large population cohorts (gnomAD); Has not been previously published as pathogenic or benign to our knowledge

Labcorp Genetics (formerly Invitae), Labcorp
Classification: Pathogenic for Cerebral cavernous malformation. Last evaluated: 2024-06-30. Review status: criteria provided, single submitter. Criteria: Invitae Variant Classification Sherloc (09022015). Collection method: clinical testing. Allele origin: germline.
Comment: This sequence change creates a premature translational stop signal (p.Trp597*) in the KRIT1 gene. It is expected to result in an absent or disrupted protein product. Loss-of-function variants in KRIT1 are known to be pathogenic (PMID: 10508515, 11222804, 12404106, 24689081). This variant is not present in population databases (gnomAD no frequency). This variant has not been reported in the literature in individuals affected with KRIT1-related conditions. ClinVar contains an entry for this variant (Variation ID: 1452671). Algorithms developed to predict the effect of sequence changes on RNA splicing suggest that this variant may disrupt the consensus splice site. For these reasons, this variant has been classified as Pathogenic.

Literature cited by the submitters: PubMed 10508515 (cited by Labcorp Genetics (formerly Invitae), Labcorp); PubMed 11222804 (cited by Labcorp Genetics (formerly Invitae), Labcorp); PubMed 12404106 (cited by Labcorp Genetics (formerly Invitae), Labcorp); PubMed 24689081 (cited by Labcorp Genetics (formerly Invitae), Labcorp).